The following is an entry in ClinVar:

ClinVar aggregate classification (germline): Uncertain significance (1 of 4 stars; one submission).

Submission:

Women's Health and Genetics/Laboratory Corporation of America, LabCorp
Classification: Uncertain significance. Last evaluated: 2024-01-04. Review status: criteria provided, single submitter. Criteria: LabCorp Variant Classification Summary - May 2015. Collection method: clinical testing. Allele origin: germline.
Comment: Variant summary: AARS2 c.1289A>G (p.Asp430Gly) results in a non-conservative amino acid change located in the Alanyl-tRNA synthetase, class IIc, N-terminal (IPR018164) of the encoded protein sequence. Four of five in-silico tools predict a benign effect of the variant on protein function. The variant was absent in 251246 control chromosomes. The available data on variant occurrences in the general population are insufficient to allow any conclusion about variant significance. To our knowledge, no occurrence of c.1289A>G in individuals affected with AARS2-Related Disorders and no experimental evidence demonstrating its impact on protein function have been reported. No submitters have cited clinical-significance assessments for this variant to ClinVar. Based on the evidence outlined above, the variant was classified as uncertain significance.

NM_020745.4(AARS2):c.1289A>G (p.Asp430Gly)

Gene: AARS2 (alanyl-tRNA synthetase 2, mitochondrial; minus strand). Cytogenetic location: 6p21.1.
Variant type: single nucleotide variant.
Coding change: c.1289A>G on transcript NM_020745.4 (MANE Select); coding-DNA position 1289, A replaced by G.
Protein change: p.Asp430Gly; replaces aspartic acid 430 with glycine.
Molecular consequence: missense variant.
Genome position (GRCh38, 1-based): chr6:44,306,291, T>C on the plus strand (A>G on the coding strand, the complement: AARS2 is on the minus strand). VCF-style: chr6-44306291-T-C. GRCh37 (hg19) VCF-style: chr6-44274028-T-C.
Other names: short protein forms D430G.
Identifiers: ClinVar variation 3063768 (VCV003063768.1), dbSNP rs2534681128, ClinGen allele CA364339516.